The following is an entry in ClinVar:

ClinVar aggregate classification (germline): Uncertain significance. Review status: criteria provided, multiple submitters, no conflicts (2 of 4 stars). 2 submissions from 2 submitters: Uncertain significance (2). Last evaluated 2025-12-28.

Conditions:
Emery-Dreifuss muscular dystrophy 5, autosomal dominant (EDMD5). Also called: EMERY-DREIFUSS MUSCULAR DYSTROPHY 5. Identifiers: Orphanet 261, MedGen C2751805, MONDO:0013072, OMIM 612999.

Allele frequency attached by ClinVar (database versions not stated): gnomAD exomes 0.00001 and 0.00002; gnomAD 0.00008 and 0.00009; TOPMed 0.00014; ESP Exome Variant Server 0.00017.
gnomAD v4.1: 29 of 1,613,842 alleles (0.0018%); highest among the groups gnomAD compares: African/African-American, 0.039%; no homozygotes.

Submissions (2):

Labcorp Genetics (formerly Invitae), Labcorp
Classification: Uncertain significance for Emery-Dreifuss muscular dystrophy 5, autosomal dominant. Last evaluated: 2025-12-28. Review status: criteria provided, single submitter. Criteria: Invitae Variant Classification Sherloc (09022015). Collection method: clinical testing. Allele origin: germline.
Comment: This sequence change replaces glutamic acid, which is acidic and polar, with glutamine, which is neutral and polar, at codon 3622 of the SYNE2 protein (p.Glu3622Gln). This variant is present in population databases (rs374132878, gnomAD 0.04%), and has an allele count higher than expected for a pathogenic variant. This variant has not been reported in the literature in individuals affected with SYNE2-related conditions. ClinVar contains an entry for this variant (Variation ID: 837413). An algorithm developed to predict the effect of missense changes on protein structure and function outputs the following: PolyPhen-2: "Benign". The glutamine amino acid residue is found in multiple mammalian species, which suggests that this missense change does not adversely affect protein function. In summary, the available evidence is currently insufficient to determine the role of this variant in disease. Therefore, it has been classified as a Variant of Uncertain Significance.

Ambry Genetics
Classification: Uncertain significance. Last evaluated: 2025-08-14. Review status: criteria provided, single submitter. Criteria: Ambry Variant Classification Scheme 2023. Collection method: clinical testing. Allele origin: germline.

NM_182914.3(SYNE2):c.10864G>C (p.Glu3622Gln)

Gene: SYNE2 (spectrin repeat containing nuclear envelope protein 2; plus strand). Cytogenetic location: 14q23.2.
Variant type: single nucleotide variant.
Coding change: c.10864G>C on transcript NM_182914.3 (MANE Select); coding-DNA position 10864, G replaced by C.
Protein change: p.Glu3622Gln; replaces glutamic acid 3622 with glutamine.
Molecular consequence: missense variant.
Genome position (GRCh38, 1-based): chr14:64,074,134, G>C. VCF-style: chr14-64074134-G-C. GRCh37 (hg19) VCF-style: chr14-64540852-G-C.
Other names: c.10864G>C, p.Glu3622Gln (NM_015180.6); short protein forms E3622Q.
Identifiers: ClinVar variation 837413 (VCV000837413.6), dbSNP rs374132878, ClinGen allele CA261801537.